The following is an entry in ClinVar:

NM_000352.6(ABCC8):c.393C>T (p.Asn131=)

Gene: ABCC8 (ATP binding cassette subfamily C member 8; minus strand). Cytogenetic location: 11p15.1.
Variant type: single nucleotide variant.
Coding change: c.393C>T on transcript NM_000352.6 (MANE Select); coding-DNA position 393, C replaced by T.
Protein change: p.Asn131=; no amino-acid change (asparagine 131 retained).
Molecular consequence: synonymous variant. On other transcripts: non-coding transcript variant (1).
Genome position (GRCh38, 1-based): chr11:17,470,120, G>A on the plus strand (C>T on the coding strand, the complement: ABCC8 is on the minus strand). VCF-style: chr11-17470120-G-A. GRCh37 (hg19) VCF-style: chr11-17491667-G-A.
Other names: c.393C>T (NM_000352.3); c.393C>T, p.Asn131= (NM_001287174.3, NM_001351295.2, NM_001351296.2 and 1 more transcripts).
Identifiers: ClinVar variation 727320 (VCV000727320.15), dbSNP rs372524091, ClinGen allele CA5903895.

ClinVar aggregate classification (germline): Conflicting classifications of pathogenicity. Review status: criteria provided, conflicting classifications (1 of 4 stars). 5 submissions from 4 submitters: Uncertain significance (2); Likely benign (3). Last evaluated 2025-11-08.

Conditions:
Transitory neonatal diabetes mellitus. Also called: Transient neonatal diabetes mellitus. Identifiers: MedGen C0342273, MONDO:0020525, HP:0008255.
Maturity-onset diabetes of the young (MODY). Also called: Maturity onset diabetes mellitus in young. Identifiers: Orphanet 552, MedGen C0342276, MONDO:0018911, HP:0004904.
Inborn genetic diseases. Identifiers: MedGen C0950123, MeSH D030342.

Allele frequency attached by ClinVar (database versions not stated): gnomAD exomes 0.00002 and 0.00007; TOPMed 0.00002; ExAC 0.00003; ESP Exome Variant Server 0.00008.
gnomAD v4.1: 35 of 1,614,052 alleles (0.0022%); highest among the groups gnomAD compares: Admixed American, 0.015%; no homozygotes.

Submissions (5):

Labcorp Genetics (formerly Invitae), Labcorp
Classification: Likely benign. Last evaluated: 2025-11-08. Review status: criteria provided, single submitter. Criteria: Invitae Variant Classification Sherloc (09022015). Collection method: clinical testing. Allele origin: germline.

Blueprint Genetics
Classification: Likely benign. Last evaluated: 2024-04-19. Review status: criteria provided, single submitter. Criteria: ACMG Guidelines, 2015. Collection method: clinical testing. Allele origin: germline.

Ambry Genetics
Classification: Likely benign for Inborn genetic diseases. Last evaluated: 2024-02-17. Review status: criteria provided, single submitter. Criteria: Ambry Variant Classification Scheme 2023. Collection method: clinical testing. Allele origin: germline.

Clinical Genomics, Uppaluri K&H Personalized Medicine Clinic
Classification: Uncertain significance for Maturity-onset diabetes of the young. Review status: criteria provided, single submitter. Criteria: K & H Uppaluri Personalized Medicine Clinic Variant Classification & Assertion Criteria_Updated V.1. Collection method: research. Allele origin: unknown. Inheritance: Somatic mutation.
Comment: Mutations in ABCC8 gene are associated with both neonatal diabetes mellitus as well as MODY. Patients with this mutation may have a better response to sulfonylureas. However, no sufficient evidence is found to ascertain the role of this particular variant (rs372524091) in MODY yet.

Clinical Genomics, Uppaluri K&H Personalized Medicine Clinic
Classification: Uncertain significance for Transitory neonatal diabetes mellitus. Review status: criteria provided, single submitter. Criteria: K & H Uppaluri Personalized Medicine Clinic Variant Classification & Assertion Criteria_Updated V.1. Collection method: research. Allele origin: unknown. Inheritance: Somatic mutation.
Comment: Mutations in ABCC8 gene are associated with both neonatal diabetes mellitus as well as MODY. Patients with this mutation may have a better response to sulfonylureas. However, no sufficient evidence is found to ascertain the role of this particular variant (rs372524091) in neonatal diabetes yet.

Literature cited by the submitters: PubMed 16885549 (cited by Clinical Genomics, Uppaluri K&H Personalized Medicine Clinic); PubMed 21989597 (cited by Clinical Genomics, Uppaluri K&H Personalized Medicine Clinic); PubMed 27538677 (cited by Clinical Genomics, Uppaluri K&H Personalized Medicine Clinic); PubMed 18981553 (cited by Clinical Genomics, Uppaluri K&H Personalized Medicine Clinic); PubMed 32027066 (cited by Clinical Genomics, Uppaluri K&H Personalized Medicine Clinic); PubMed 16613899 (cited by Clinical Genomics, Uppaluri K&H Personalized Medicine Clinic); PubMed 18025408 (cited by Clinical Genomics, Uppaluri K&H Personalized Medicine Clinic); PubMed 32792356 (cited by Clinical Genomics, Uppaluri K&H Personalized Medicine Clinic).